The following is an entry in ClinVar:

ClinVar aggregate classification (germline): Uncertain significance (1 of 4 stars; one submission).

Allele frequency attached by ClinVar (database versions not stated): gnomAD exomes below 0.00001; ExAC 0.00001.
gnomAD v4.1: 7 of 1,614,192 alleles (0.00043%); highest among the groups gnomAD compares: Non-Finnish European, 0.00059%; no homozygotes.

Submission:

GeneDx
Classification: Uncertain significance. Last evaluated: 2021-06-29. Review status: criteria provided, single submitter. Criteria: GeneDx Variant Classification Process June 2021. Collection method: clinical testing. Allele origin: germline. Affected: yes.
Comment: Not observed at a significant frequency in large population cohorts (Lek et al., 2016); In silico analysis, which includes protein predictors and evolutionary conservation, supports that this variant does not alter protein structure/function; Has not been previously published as pathogenic or benign to our knowledge; This variant is associated with the following publications: (PMID: 21520338, 31554319, 9590290, 16718611)

NM_005422.4(TECTA):c.5470G>A (p.Gly1824Ser)

Genes: TBCEL-TECTA (TBCEL-TECTA readthrough; plus strand), TECTA (tectorin alpha; plus strand). Cytogenetic location: 11q23.3.
Variant type: single nucleotide variant.
Coding change: c.5470G>A on transcript NM_005422.4 (MANE Select); coding-DNA position 5470, G replaced by A.
Protein change: p.Gly1824Ser; replaces glycine 1824 with serine.
Molecular consequence: missense variant.
Genome position (GRCh38, 1-based): chr11:121,166,664, G>A. VCF-style: chr11-121166664-G-A. GRCh37 (hg19) VCF-style: chr11-121037373-G-A.
Other names: c.6412G>A, p.Gly2138Ser (NM_001378761.1); short protein forms G1824S, G2138S.
Identifiers: ClinVar variation 1310185 (VCV001310185.2), dbSNP rs751680641, ClinGen allele CA6327731.